The following is an entry in ClinVar:

ClinVar aggregate classification (germline): Uncertain significance (1 of 4 stars; one submission).

Submission:

GeneDx
Classification: Uncertain significance. Last evaluated: 2022-06-06. Review status: criteria provided, single submitter. Criteria: GeneDx Variant Classification Process June 2021. Collection method: clinical testing. Allele origin: germline. Affected: yes.
Comment: Not observed at significant frequency in large population cohorts (gnomAD); In silico analysis supports that this missense variant has a deleterious effect on protein structure/function; Has not been previously published as pathogenic or benign to our knowledge

NM_001374353.1(GLI2):c.4289A>G (p.Tyr1430Cys)

Gene: GLI2 (GLI family zinc finger 2; plus strand). Cytogenetic location: 2q14.2.
Variant type: single nucleotide variant.
Coding change: c.4289A>G on transcript NM_001374353.1 (MANE Select); coding-DNA position 4289, A replaced by G.
Protein change: p.Tyr1430Cys; replaces tyrosine 1430 with cysteine.
Molecular consequence: missense variant.
Genome position (GRCh38, 1-based): chr2:120,990,254, A>G. VCF-style: chr2-120990254-A-G. GRCh37 (hg19) VCF-style: chr2-121747830-A-G.
Other names: c.4340A>G, p.Tyr1447Cys (NM_001371271.1, NM_005270.5); c.3914A>G, p.Tyr1305Cys (NM_001374354.1); short protein forms Y1305C, Y1430C, Y1447C.
Identifiers: ClinVar variation 1803338 (VCV001803338.1), dbSNP rs2467785125, ClinGen allele CA348179346.
Genomic context (GRCh38, chr2:120,990,254, plus strand): 5'-TGCCTCCCCAGCCGCCTCCGCAGGACGCAGGTGGGGCCCCGGACCACAGCATGCTCTACT[A>G]CTACGGCCAGATCCACATGTACGAACAGGATGGAGGCCTGGAGAACCTCGGGAGCTGCCA-3'
Protein context (NP_001361282.1, residues 1420-1440): GGAPDHSMLY[Tyr1430Cys]YGQIHMYEQD